The following is an entry in ClinVar:

ClinVar aggregate classification (germline): Uncertain significance. Review status: criteria provided, multiple submitters, no conflicts (2 of 4 stars). 2 submissions from 2 submitters: Uncertain significance (2). Last evaluated 2025-08-15.

Conditions:
Inborn genetic diseases. Identifiers: MedGen C0950123, MeSH D030342.
Holoprosencephaly 11 (HPE11). Identifiers: Orphanet 2162, MedGen C3280215, MONDO:0013642, OMIM 614226.

Allele frequency attached by ClinVar (database versions not stated): gnomAD 0.00001; gnomAD exomes 0.00001; ExAC 0.00002; TOPMed 0.00003; ESP Exome Variant Server 0.00008.
gnomAD v4.1: 17 of 1,613,834 alleles (0.0011%); highest among the groups gnomAD compares: Non-Finnish European, 0.0014%; no homozygotes.

Submissions (2):

Ambry Genetics
Classification: Uncertain significance for Inborn genetic diseases. Last evaluated: 2025-08-15. Review status: criteria provided, single submitter. Criteria: Ambry Variant Classification Scheme 2023. Collection method: clinical testing. Allele origin: germline.

Labcorp Genetics (formerly Invitae), Labcorp
Classification: Uncertain significance for Holoprosencephaly 11. Last evaluated: 2025-06-23. Review status: criteria provided, single submitter. Criteria: Invitae Variant Classification Sherloc (09022015). Collection method: clinical testing. Allele origin: germline.
Comment: This sequence change replaces tyrosine, which is neutral and polar, with histidine, which is basic and polar, at codon 651 of the CDON protein (p.Tyr651His). This variant is present in population databases (rs372079041, gnomAD 0.003%). This variant has not been reported in the literature in individuals affected with CDON-related conditions. ClinVar contains an entry for this variant (Variation ID: 1389418). Invitae Evidence Modeling of protein sequence and biophysical properties (such as structural, functional, and spatial information, amino acid conservation, physicochemical variation, residue mobility, and thermodynamic stability) has been performed for this missense variant. However, the output from this modeling did not meet the statistical confidence thresholds required to predict the impact of this variant on CDON protein function. In summary, the available evidence is currently insufficient to determine the role of this variant in disease. Therefore, it has been classified as a Variant of Uncertain Significance.

NM_001378964.1(CDON):c.1951T>C (p.Tyr651His)

Gene: CDON (cell adhesion associated, oncogene regulated; minus strand). Cytogenetic location: 11q24.2.
Variant type: single nucleotide variant.
Coding change: c.1951T>C on transcript NM_001378964.1 (MANE Select); coding-DNA position 1951, T replaced by C.
Protein change: p.Tyr651His; replaces tyrosine 651 with histidine.
Molecular consequence: missense variant.
Genome position (GRCh38, 1-based): chr11:126,003,977, A>G on the plus strand (T>C on the coding strand, the complement: CDON is on the minus strand). VCF-style: chr11-126003977-A-G. GRCh37 (hg19) VCF-style: chr11-125873872-A-G.
Other names: c.1951T>C, p.Tyr651His (NM_001243597.3, NM_016952.6); short protein forms Y651H.
Identifiers: ClinVar variation 1389418 (VCV001389418.8), dbSNP rs372079041, ClinGen allele CA6351893.